The following is an entry in ClinVar:

ClinVar aggregate classification (germline): Uncertain significance (1 of 4 stars; one submission).

Conditions:
Brugada syndrome. Also called: Sudden unexpected nocturnal death syndrome; Sudden Unexplained Nocturnal Death Syndrome (SUNDS); Sudden unexplained nocturnal death syndrome; Sudden Unexplained Death Syndrome. Identifiers: Orphanet 130, MedGen C1142166, MONDO:0015263.

Submission:

Labcorp Genetics (formerly Invitae), Labcorp
Classification: Uncertain significance for Brugada syndrome. Last evaluated: 2025-09-19. Review status: criteria provided, single submitter. Criteria: Invitae Variant Classification Sherloc (09022015). Collection method: clinical testing. Allele origin: germline.
Comment: This sequence change replaces alanine, which is neutral and non-polar, with threonine, which is neutral and polar, at codon 533 of the SLMAP protein (p.Ala533Thr). This variant also falls at the last nucleotide of exon 16, which is part of the consensus splice site for this exon. This variant is not present in population databases (gnomAD no frequency). This variant has not been reported in the literature in individuals affected with SLMAP-related conditions. An algorithm developed to predict the effect of missense changes on protein structure and function (PolyPhen-2) suggests that this variant is likely to be tolerated. Variants that disrupt the consensus splice site are a relatively common cause of aberrant splicing (PMID: 17576681, 9536098). Algorithms developed to predict the effect of sequence changes on RNA splicing suggest that this variant may disrupt the consensus splice site. In summary, the available evidence is currently insufficient to determine the role of this variant in disease. Therefore, it has been classified as a Variant of Uncertain Significance.

Literature cited by the submitters: PubMed 17576681; PubMed 9536098.

NM_001377540.1(SLMAP):c.1699G>A (p.Ala567Thr)

Gene: SLMAP (sarcolemma associated protein; plus strand). Cytogenetic location: 3p14.3.
Variant type: single nucleotide variant.
Coding change: c.1699G>A on transcript NM_001377540.1 (MANE Select); coding-DNA position 1699, G replaced by A.
Protein change: p.Ala567Thr; replaces alanine 567 with threonine.
Molecular consequence: missense variant. On other transcripts: non-coding transcript variant (1), intron variant (1).
Genome position (GRCh38, 1-based): chr3:57,909,150, G>A. VCF-style: chr3-57909150-G-A. GRCh37 (hg19) VCF-style: chr3-57894877-G-A.
Other names: c.1648G>A, p.Ala550Thr (NM_001304420.3, NM_001377541.1, NM_001377542.1); c.1534G>A, p.Ala512Thr (NM_001304421.2, NM_001377557.1, NM_001377559.1); c.250G>A, p.Ala84Thr (NM_001304422.3, NM_001311178.2); c.127G>A, p.Ala43Thr (NM_001311179.2, NM_001377926.1, NM_001377927.1 and 1 more transcripts); c.1720G>A, p.Ala574Thr (NM_001377538.1); c.1699G>A, p.Ala567Thr (NM_001377539.1); c.1636G>A, p.Ala546Thr (NM_001377545.1); c.1597G>A, p.Ala533Thr (NM_001377549.1, NM_007159.5); and 8 more; short protein forms A550T, A567T, A84T, A471T, A505T, A533T, A574T, A488T.
Identifiers: ClinVar variation 4727435 (VCV004727435.1).